The following is an entry in ClinVar:

NM_002246.3(KCNK3):c.152G>T (p.Arg51Leu)

Gene: KCNK3 (potassium two pore domain channel subfamily K member 3; plus strand). Cytogenetic location: 2p23.3.
Variant type: single nucleotide variant.
Coding change: c.152G>T on transcript NM_002246.3 (MANE Select); coding-DNA position 152, G replaced by T.
Protein change: p.Arg51Leu; replaces arginine 51 with leucine.
Molecular consequence: missense variant.
Genome position (GRCh38, 1-based): chr2:26,693,027, G>T. VCF-style: chr2-26693027-G-T. GRCh37 (hg19) VCF-style: chr2-26915895-G-T.
Other names: short protein forms R51L.
Identifiers: ClinVar variation 2767948 (VCV002767948.3), dbSNP rs761090652, ClinGen allele CA1565436.
Genomic context (GRCh38, chr2:26,693,027, plus strand): 5'-CGGAGCCCGAGCTGATCGAGCGGCAGCGGCTGGAGCTGCGGCAGCAGGAGCTGCGGGCGC[G>T]CTACAACCTCAGCCAGGGCGGCTACGAGGAGCTGGAGCGCGTCGTGCTGCGCCTCAAGCC-3'
Protein context (NP_002237.1, residues 41-61): LELRQQELRA[Arg51Leu]YNLSQGGYEE

ClinVar aggregate classification (germline): Uncertain significance (1 of 4 stars; one submission).

Conditions:
Pulmonary hypertension, primary, 4. Identifiers: Orphanet 422, MedGen C3809198, MONDO:0014136, OMIM 615344.

Allele frequency attached by ClinVar (database versions not stated): gnomAD exomes 0.00001; TOPMed 0.00001; gnomAD 0.00002; ExAC 0.00005.

Submission:

Labcorp Genetics (formerly Invitae), Labcorp
Classification: Uncertain significance for Pulmonary hypertension, primary, 4. Last evaluated: 2023-12-27. Review status: criteria provided, single submitter. Criteria: Invitae Variant Classification Sherloc (09022015). Collection method: clinical testing. Allele origin: germline.
Comment: This sequence change replaces arginine, which is basic and polar, with leucine, which is neutral and non-polar, at codon 51 of the KCNK3 protein (p.Arg51Leu). This variant is present in population databases (rs761090652, gnomAD 0.04%). This missense change has been observed in individuals with pulmonary arterial hypertension (PMID: 29650961; Invitae). Advanced modeling of protein sequence and biophysical properties (such as structural, functional, and spatial information, amino acid conservation, physicochemical variation, residue mobility, and thermodynamic stability) performed at Invitae indicates that this missense variant is not expected to disrupt KCNK3 protein function with a negative predictive value of 80%. In summary, the available evidence is currently insufficient to determine the role of this variant in disease. Therefore, it has been classified as a Variant of Uncertain Significance.

Literature cited by the submitters: PubMed 29650961.